The following is an entry in ClinVar:

NM_173630.4(RTTN):c.5177A>T (p.Asp1726Val)

Gene: RTTN (rotatin; minus strand). Cytogenetic location: 18q22.2.
Variant type: single nucleotide variant.
Coding change: c.5177A>T on transcript NM_173630.4 (MANE Select); coding-DNA position 5177, A replaced by T.
Protein change: p.Asp1726Val; replaces aspartic acid 1726 with valine.
Molecular consequence: missense variant.
Genome position (GRCh38, 1-based): chr18:70,054,139, T>A on the plus strand (A>T on the coding strand, the complement: RTTN is on the minus strand). VCF-style: chr18-70054139-T-A. GRCh37 (hg19) VCF-style: chr18-67721375-T-A.
Other names: c.2441A>T, p.Asp814Val (NM_001318520.2); short protein forms D1726V, D814V.
Identifiers: ClinVar variation 4532461 (VCV004532461.1).
Genomic context (GRCh38, chr18:70,054,139, plus strand): 5'-TTTTTCCTCAGTATTATTCACTTACATTCTAAACTAAAACAATTAAGCTTACCTAATACA[T>A]CTTTGGTACATATGGTGAGAATTCCAATGATATTGGTGATAAGAGGTTTCACAAGCTCAT-3'
Protein context (NP_775901.3, residues 1716-1736): IIGILTICTK[Asp1726Val]VLDKELISAF

ClinVar aggregate classification (germline): Uncertain significance (1 of 4 stars; one submission).

gnomAD v4.1: 10 of 1,612,370 alleles (0.00062%); highest among the groups gnomAD compares: Non-Finnish European, 0.00085%; no homozygotes.

Submission:

GeneDx
Classification: Uncertain significance. Last evaluated: 2025-05-28. Review status: criteria provided, single submitter. Criteria: GeneDx Variant Classification Process June 2021. Collection method: clinical testing. Allele origin: germline. Affected: yes.
Comment: Not observed at significant frequency in large population cohorts (gnomAD); In silico analysis suggests that this missense variant does not alter protein structure/function; Has not been previously published as pathogenic or benign to our knowledge